The following is an entry in ClinVar:

NM_000406.3(GNRHR):c.981T>C (p.Ser327=)

Gene: GNRHR (gonadotropin releasing hormone receptor; minus strand). Cytogenetic location: 4q13.2.
Variant type: single nucleotide variant.
Coding change: c.981T>C on transcript NM_000406.3 (MANE Select); coding-DNA position 981, T replaced by C.
Protein change: p.Ser327=; no amino-acid change (serine 327 retained).
Molecular consequence: synonymous variant. On other transcripts: 3 prime UTR variant (1).
Genome position (GRCh38, 1-based): chr4:67,740,486, A>G on the plus strand (T>C on the coding strand, the complement: GNRHR is on the minus strand). VCF-style: chr4-67740486-A-G. GRCh37 (hg19) VCF-style: chr4-68606204-A-G.
Other names: c.*103T>C (NM_001012763.2).
Identifiers: ClinVar variation 778142 (VCV000778142.8), dbSNP rs146305459, ClinGen allele CA2938830.

ClinVar aggregate classification (germline): Benign. Review status: criteria provided, single submitter (1 of 4 stars). 2 submissions from 2 submitters: Benign (1). 1 of the submissions does not count toward it. Last evaluated 2023-07-17.

Conditions:
GNRHR-related disorder. Also called: GNRHR-related condition.

Allele frequency attached by ClinVar (database versions not stated): TOPMed 0.00067; ExAC 0.00026; 1000 Genomes Project 0.00040; ESP Exome Variant Server 0.00092; gnomAD exomes 0.00018 and 0.00007; 1000 Genomes Project 30x 0.00031.
gnomAD v4.1: 198 of 1,603,052 alleles (0.012%); highest among the groups gnomAD compares: African/African-American, 0.22%; no homozygotes.

Submissions (2):

Labcorp Genetics (formerly Invitae), Labcorp
Classification: Benign. Last evaluated: 2023-07-17. Review status: criteria provided, single submitter. Criteria: Invitae Variant Classification Sherloc (09022015). Collection method: clinical testing. Allele origin: germline.

PreventionGenetics, part of Exact Sciences
Classification: Likely benign for GNRHR-related condition. Last evaluated: 2019-08-21. Review status: no assertion criteria provided. Collection method: clinical testing. Allele origin: germline. Not counted in ClinVar's aggregate classification.
Comment: This variant is classified as likely benign based on ACMG/AMP sequence variant interpretation guidelines (Richards et al. 2015 PMID: 25741868, with internal and published modifications).